The following is an entry in ClinVar:

ClinVar aggregate classification (germline): Conflicting classifications of pathogenicity. Review status: criteria provided, conflicting classifications (1 of 4 stars). 2 submissions from 2 submitters: Uncertain significance (1); Likely benign (1). Last evaluated 2023-03-23.

Conditions:
Hereditary cancer-predisposing syndrome. Also called: Tumor predisposition; Neoplastic Syndromes, Hereditary; Hereditary Cancer Syndrome; Hereditary neoplastic syndrome. Identifiers: Orphanet 140162, MedGen C0027672, MeSH D009386, MONDO:0015356.

Submissions (2):

University of Washington Department of Laboratory Medicine, University of Washington
Classification: Likely benign for Hereditary cancer-predisposing syndrome. Last evaluated: 2023-03-23. Review status: criteria provided, single submitter. Criteria: Dines et al. (Genet Med. 2020). Collection method: curation. Allele origin: germline.
Comment: Missense variant in a coldspot region where missense variants are very unlikely to be pathogenic (PMID:31911673).

BRCA1 coldspot (exon 11 using historical exon numbering). Reclassification based on statistical prior probability

GeneDx
Classification: Uncertain significance. Last evaluated: 2019-10-23. Review status: criteria provided, single submitter. Criteria: GeneDx Variant Classification Process June 2021. Collection method: clinical testing. Allele origin: germline. Affected: yes.
Comment: Not observed in large population cohorts (Lek 2016); In silico analysis, which includes protein predictors and evolutionary conservation, supports that this variant does not alter protein structure/function; Has not been previously published as pathogenic or benign to our knowledge; Also known as 1821C>G

NM_007294.4(BRCA1):c.1702C>G (p.Pro568Ala)

Gene: BRCA1 (BRCA1 DNA repair associated; minus strand). Cytogenetic location: 17q21.31.
Variant type: single nucleotide variant.
Coding change: c.1702C>G on transcript NM_007294.4 (MANE Select); coding-DNA position 1702, C replaced by G.
Protein change: p.Pro568Ala; replaces proline 568 with alanine.
Molecular consequence: missense variant. On other transcripts: intron variant (137).
Genome position (GRCh38, 1-based): chr17:43,093,829, G>C on the plus strand (C>G on the coding strand, the complement: BRCA1 is on the minus strand). VCF-style: chr17-43093829-G-C. GRCh37 (hg19) VCF-style: chr17-41245846-G-C.
Other names: c.1489C>G, p.Pro497Ala (NM_001407571.1, NM_001407853.1, NM_001407894.1 and 9 more transcripts); c.1702C>G, p.Pro568Ala (NM_001407581.1, NM_001407582.1, NM_001407583.1 and 30 more transcripts); c.1699C>G, p.Pro567Ala (NM_001407587.1, NM_001407590.1, NM_001407591.1 and 22 more transcripts); c.1693C>G, p.Pro565Ala (NM_001407646.1, NM_001407647.1); c.1579C>G, p.Pro527Ala (NM_001407648.1, NM_001407664.1, NM_001407665.1 and 19 more transcripts); c.1576C>G, p.Pro526Ala (NM_001407649.1, NM_001407670.1, NM_001407671.1 and 11 more transcripts); c.1624C>G, p.Pro542Ala (NM_001407653.1, NM_001407654.1, NM_001407655.1 and 4 more transcripts); c.1621C>G, p.Pro541Ala (NM_001407659.1, NM_001407660.1, NM_001407661.1 and 1 more transcripts); and 40 more; short protein forms P521A, P568A, P440A, P497A, P520A, P441A, P457A, P498A.
Identifiers: ClinVar variation 1309729 (VCV001309729.5), dbSNP rs755122577, ClinGen allele CA10598620.